The following is an entry in ClinVar:

ClinVar aggregate classification (germline): Uncertain significance (1 of 4 stars; one submission).

Conditions:
Charcot-Marie-Tooth disease type 2. Also called: Charcot-Marie-Tooth type 2. Identifiers: Orphanet 64746, MedGen C0270914, MONDO:0018993.

Allele frequency attached by ClinVar (database versions not stated): gnomAD exomes below 0.00001.
gnomAD v4.1: 1 of 1,614,044 alleles (0.000062%); highest among the groups gnomAD compares: Non-Finnish European, 0.000085%; no homozygotes.

Submission:

Labcorp Genetics (formerly Invitae), Labcorp
Classification: Uncertain significance for Charcot-Marie-Tooth disease type 2. Last evaluated: 2022-03-11. Review status: criteria provided, single submitter. Criteria: Invitae Variant Classification Sherloc (09022015). Collection method: clinical testing. Allele origin: germline.
Comment: In summary, the available evidence is currently insufficient to determine the role of this variant in disease. Therefore, it has been classified as a Variant of Uncertain Significance. Algorithms developed to predict the effect of missense changes on protein structure and function output the following: SIFT: "Tolerated"; PolyPhen-2: "Benign"; Align-GVGD: "Class C0". The asparagine amino acid residue is found in multiple mammalian species, which suggests that this missense change does not adversely affect protein function. This variant has not been reported in the literature in individuals affected with AARS-related conditions. This variant is not present in population databases (gnomAD no frequency). This sequence change replaces serine, which is neutral and polar, with asparagine, which is neutral and polar, at codon 864 of the AARS protein (p.Ser864Asn).

NM_001605.3(AARS1):c.2591G>A (p.Ser864Asn)

Gene: AARS1 (alanyl-tRNA synthetase 1; minus strand). Cytogenetic location: 16q22.1.
Variant type: single nucleotide variant.
Coding change: c.2591G>A on transcript NM_001605.3 (MANE Select); coding-DNA position 2591, G replaced by A.
Protein change: p.Ser864Asn; replaces serine 864 with asparagine.
Molecular consequence: missense variant.
Genome position (GRCh38, 1-based): chr16:70,253,730, C>T on the plus strand (G>A on the coding strand, the complement: AARS1 is on the minus strand). VCF-style: chr16-70253730-C-T. GRCh37 (hg19) VCF-style: chr16-70287633-C-T.
Other names: short protein forms S864N.
Identifiers: ClinVar variation 1969871 (VCV001969871.5), dbSNP rs2506989290, ClinGen allele CA396554882.